The following is an entry in ClinVar:

NM_003126.4(SPTA1):c.1124T>C (p.Phe375Ser)

Gene: SPTA1 (spectrin alpha, erythrocytic 1; minus strand). Cytogenetic location: 1q23.1.
Variant type: single nucleotide variant.
Coding change: c.1124T>C on transcript NM_003126.4 (MANE Select); coding-DNA position 1124, T replaced by C.
Protein change: p.Phe375Ser; replaces phenylalanine 375 with serine.
Molecular consequence: missense variant.
Genome position (GRCh38, 1-based): chr1:158,674,664, A>G on the plus strand (T>C on the coding strand, the complement: SPTA1 is on the minus strand). VCF-style: chr1-158674664-A-G. GRCh37 (hg19) VCF-style: chr1-158644454-A-G.
Other names: short protein forms F375S.
Identifiers: ClinVar variation 993465 (VCV000993465.26), dbSNP rs929328527, ClinGen allele CA31263332.

ClinVar aggregate classification (germline): Conflicting classifications of pathogenicity. Review status: criteria provided, conflicting classifications (1 of 4 stars). 5 submissions from 5 submitters: Uncertain significance (4); Likely benign (1). Last evaluated 2025-11-27.

Allele frequency attached by ClinVar (database versions not stated): gnomAD exomes below 0.00001; gnomAD 0.00002; TOPMed 0.00002.
gnomAD v4.1: 4 of 1,613,742 alleles (0.00025%); highest among the groups gnomAD compares: African/African-American, 0.0053%; no homozygotes.

Submissions (5):

Labcorp Genetics (formerly Invitae), Labcorp
Classification: Likely benign. Last evaluated: 2025-11-27. Review status: criteria provided, single submitter. Criteria: Invitae Variant Classification Sherloc (09022015). Collection method: clinical testing. Allele origin: germline.

ARUP Laboratories, Molecular Genetics and Genomics, ARUP Laboratories
Classification: Uncertain significance. Last evaluated: 2025-05-14. Review status: criteria provided, single submitter. Criteria: ARUP Molecular Germline Variant Investigation Process 2024. Collection method: clinical testing. Allele origin: germline.
Comment: The SPTA1 c.1124T>C; p.Phe375Ser variant (rs929328527), to our knowledge, is not reported in the medical literature but is reported in ClinVar (Variation ID: 993465). This variant is only observed on three alleles in the Genome Aggregation Database (v2.1.1), indicating it is not a common polymorphism. Computational analyses predict that this variant is deleterious (REVEL: 0.763). However, given the lack of clinical and functional data, the significance of this variant is uncertain at this time.

Mayo Clinic Laboratories, Mayo Clinic
Classification: Uncertain significance. Last evaluated: 2024-10-09. Review status: criteria provided, single submitter. Criteria: ACMG Guidelines, 2015. Collection method: clinical testing. Allele origin: germline. Observed: 8 variant alleles.

Revvity Omics, Revvity
Classification: Uncertain significance. Last evaluated: 2023-12-22. Review status: criteria provided, single submitter. Criteria: ACMG Guidelines, 2015. Collection method: clinical testing. Allele origin: germline.

Ambry Genetics
Classification: Uncertain significance. Last evaluated: 2022-01-05. Review status: criteria provided, single submitter. Criteria: Ambry Variant Classification Scheme 2023. Collection method: clinical testing. Allele origin: germline.